The following is an entry in ClinVar:

ClinVar aggregate classification (germline): Uncertain significance (1 of 4 stars; one submission).

Conditions:
Singleton-Merten syndrome 1 (SGMRT1). Also called: Widened medullary cavities of bone, aortic calcification, abnormal dentition, and muscular weakness; Syndrome of widened medullary cavities of the metacarpals and phalanges, aortic calcification and abnormal dentition. Identifiers: Orphanet 85191, MedGen C4225427, MONDO:0024535, OMIM 182250.
Aicardi-Goutieres syndrome 7 (AGS7). Identifiers: Orphanet 51, MedGen C3888244, MONDO:0014367, OMIM 615846.

Allele frequency attached by ClinVar (database versions not stated): gnomAD exomes below 0.00001.
gnomAD v4.1: 2 of 1,600,032 alleles (0.00012%); highest among the groups gnomAD compares: Non-Finnish European, 0.00017%; no homozygotes.

Submission:

Labcorp Genetics (formerly Invitae), Labcorp
Classification: Uncertain significance for Aicardi-Goutieres syndrome 7; Singleton-Merten syndrome 1. Last evaluated: 2025-02-08. Review status: criteria provided, single submitter. Criteria: Invitae Variant Classification Sherloc (09022015). Collection method: clinical testing. Allele origin: germline.
Comment: This sequence change replaces leucine, which is neutral and non-polar, with valine, which is neutral and non-polar, at codon 938 of the IFIH1 protein (p.Leu938Val). This variant is not present in population databases (gnomAD no frequency). This variant has not been reported in the literature in individuals affected with IFIH1-related conditions. ClinVar contains an entry for this variant (Variation ID: 1434512). Invitae Evidence Modeling of protein sequence and biophysical properties (such as structural, functional, and spatial information, amino acid conservation, physicochemical variation, residue mobility, and thermodynamic stability) has been performed for this missense variant. However, the output from this modeling did not meet the statistical confidence thresholds required to predict the impact of this variant on IFIH1 protein function. In summary, the available evidence is currently insufficient to determine the role of this variant in disease. Therefore, it has been classified as a Variant of Uncertain Significance.

NM_022168.4(IFIH1):c.2812C>G (p.Leu938Val)

Gene: IFIH1 (interferon induced with helicase C domain 1; minus strand). Cytogenetic location: 2q24.2.
Variant type: single nucleotide variant.
Coding change: c.2812C>G on transcript NM_022168.4 (MANE Select); coding-DNA position 2812, C replaced by G.
Protein change: p.Leu938Val; replaces leucine 938 with valine.
Molecular consequence: missense variant.
Genome position (GRCh38, 1-based): chr2:162,267,565, G>C on the plus strand (C>G on the coding strand, the complement: IFIH1 is on the minus strand). VCF-style: chr2-162267565-G-C. GRCh37 (hg19) VCF-style: chr2-163124075-G-C.
Other names: short protein forms L938V.
Identifiers: ClinVar variation 1434512 (VCV001434512.8), dbSNP rs2105187108, ClinGen allele CA348990153.